The following is an entry in ClinVar:

NM_001042492.3(NF1):c.6534C>G (p.Phe2178Leu)

Gene: NF1 (neurofibromin 1; plus strand). Cytogenetic location: 17q11.2.
Variant type: single nucleotide variant.
Coding change: c.6534C>G on transcript NM_001042492.3 (MANE Select); coding-DNA position 6534, C replaced by G.
Protein change: p.Phe2178Leu; replaces phenylalanine 2178 with leucine.
Molecular consequence: missense variant.
Genome position (GRCh38, 1-based): chr17:31,337,474, C>G. VCF-style: chr17-31337474-C-G. GRCh37 (hg19) VCF-style: chr17-29664492-C-G.
Other names: c.6471C>G, p.Phe2157Leu (NM_000267.4); short protein forms F2178L, F2157L.
Identifiers: ClinVar variation 3703501 (VCV003703501.2).

ClinVar aggregate classification (germline): Uncertain significance (1 of 4 stars; one submission).

Conditions:
Neurofibromatosis, type 1 (NF1). Also called: NEUROFIBROMATOSIS, TYPE I, SOMATIC; Neurofibromatosis, type I; VON RECKLINGHAUSEN DISEASE; Peripheral type neurofibromatosis. Identifiers: Orphanet 636, MedGen C0027831, MONDO:0018975, OMIM 162200. Disease mechanism: loss of function.

Submission:

Labcorp Genetics (formerly Invitae), Labcorp
Classification: Uncertain significance for Neurofibromatosis, type 1. Last evaluated: 2024-02-14. Review status: criteria provided, single submitter. Criteria: Invitae Variant Classification Sherloc (09022015). Collection method: clinical testing. Allele origin: germline.
Comment: This sequence change replaces phenylalanine, which is neutral and non-polar, with leucine, which is neutral and non-polar, at codon 2157 of the NF1 protein (p.Phe2157Leu). This variant is not present in population databases (gnomAD no frequency). This variant has not been reported in the literature in individuals affected with NF1-related conditions. Advanced modeling of protein sequence and biophysical properties (such as structural, functional, and spatial information, amino acid conservation, physicochemical variation, residue mobility, and thermodynamic stability) has been performed at Invitae for this missense variant, however the output from this modeling did not meet the statistical confidence thresholds required to predict the impact of this variant on NF1 protein function. In summary, the available evidence is currently insufficient to determine the role of this variant in disease. Therefore, it has been classified as a Variant of Uncertain Significance.